The following is an entry in ClinVar:

ClinVar aggregate classification (germline): Uncertain significance. Review status: criteria provided, multiple submitters, no conflicts (2 of 4 stars). 2 submissions from 2 submitters: Uncertain significance (2). Last evaluated 2025-09-03.

Conditions:
Inborn genetic diseases. Identifiers: MedGen C0950123, MeSH D030342.

Allele frequency attached by ClinVar (database versions not stated): gnomAD 0.00001; gnomAD exomes 0.00003; ExAC 0.00005.
gnomAD v4.1: 13 of 1,605,206 alleles (0.00081%); highest among the groups gnomAD compares: Admixed American, 0.01%; no homozygotes.

Submissions (2):

Labcorp Genetics (formerly Invitae), Labcorp
Classification: Uncertain significance. Last evaluated: 2025-09-03. Review status: criteria provided, single submitter. Criteria: Invitae Variant Classification Sherloc (09022015). Collection method: clinical testing. Allele origin: germline.
Comment: This sequence change replaces serine, which is neutral and polar, with phenylalanine, which is neutral and non-polar, at codon 984 of the CACNA2D4 protein (p.Ser984Phe). The frequency data for this variant in the population databases is considered unreliable, as metrics indicate poor data quality at this position in the gnomAD database. This variant has not been reported in the literature in individuals affected with CACNA2D4-related conditions. ClinVar contains an entry for this variant (Variation ID: 845168). An algorithm developed to predict the effect of missense changes on protein structure and function (PolyPhen-2) suggests that this variant is likely to be tolerated. In summary, the available evidence is currently insufficient to determine the role of this variant in disease. Therefore, it has been classified as a Variant of Uncertain Significance.

Ambry Genetics
Classification: Uncertain significance for Inborn genetic diseases. Last evaluated: 2021-11-10. Review status: criteria provided, single submitter. Criteria: Ambry Variant Classification Scheme 2023. Collection method: clinical testing. Allele origin: germline.

NM_172364.5(CACNA2D4):c.2951C>T (p.Ser984Phe)

Gene: CACNA2D4 (calcium voltage-gated channel auxiliary subunit alpha2delta 4; minus strand). Cytogenetic location: 12p13.33.
Variant type: single nucleotide variant.
Coding change: c.2951C>T on transcript NM_172364.5 (MANE Select); coding-DNA position 2951, C replaced by T.
Protein change: p.Ser984Phe; replaces serine 984 with phenylalanine.
Molecular consequence: missense variant.
Genome position (GRCh38, 1-based): chr12:1,800,023, G>A on the plus strand (C>T on the coding strand, the complement: CACNA2D4 is on the minus strand). VCF-style: chr12-1800023-G-A. GRCh37 (hg19) VCF-style: chr12-1909189-G-A.
Other names: short protein forms S984F.
Identifiers: ClinVar variation 845168 (VCV000845168.10), dbSNP rs747585848, ClinGen allele CA6386128.